The following is an entry in ClinVar:

ClinVar aggregate classification (germline): Pathogenic (1 of 4 stars; one submission).

Submission:

Labcorp Genetics (formerly Invitae), Labcorp
Classification: Pathogenic. Last evaluated: 2022-10-04. Review status: criteria provided, single submitter. Criteria: Invitae Variant Classification Sherloc (09022015). Collection method: clinical testing. Allele origin: germline.
Comment: This sequence change creates a premature translational stop signal (p.Gly1146Glufs*18) in the COL2A1 gene. It is expected to result in an absent or disrupted protein product. Loss-of-function variants in COL2A1 are known to be pathogenic (PMID: 20179744). This variant is not present in population databases (gnomAD no frequency). This variant has not been reported in the literature in individuals affected with COL2A1-related conditions. For these reasons, this variant has been classified as Pathogenic.

Literature cited by the submitters: PubMed 20179744.

NM_001844.5(COL2A1):c.3436_3437insA (p.Gly1146fs)

Gene: COL2A1 (collagen type II alpha 1 chain; minus strand). Cytogenetic location: 12q13.11.
Variant type: Insertion.
Coding change: c.3436_3437insA on transcript NM_001844.5 (MANE Select); coding-DNA positions 3436 to 3437, A inserted.
Protein change: p.Gly1146fs; shifts the reading frame from glycine 1146.
Molecular consequence: frameshift variant.
Genome position: GRCh38 VCF-style: chr12-47976566-C-CT. GRCh37 (hg19) VCF-style: chr12-48370349-C-CT.
Other names: c.3229_3230insA, p.Gly1077fs (NM_033150.3); short protein forms G1077fs, G1146fs.
Identifiers: ClinVar variation 2034058 (VCV002034058.4), dbSNP rs2540104584, ClinGen allele CA2580085739.